The following is an entry in ClinVar:

ClinVar aggregate classification (germline): Uncertain significance (1 of 4 stars; one submission).

Submission:

GeneDx
Classification: Uncertain significance. Last evaluated: 2025-06-04. Review status: criteria provided, single submitter. Criteria: GeneDx Variant Classification Process June 2021. Collection method: clinical testing. Allele origin: germline. Affected: yes.
Comment: Not observed at significant frequency in large population cohorts (gnomAD); In silico analysis supports that this missense variant has a deleterious effect on protein structure/function; Has not been previously published as pathogenic or benign to our knowledge

NM_033305.3(VPS13A):c.884A>G (p.Tyr295Cys)

Gene: VPS13A (vacuolar protein sorting 13 homolog A; plus strand). Cytogenetic location: 9q21.2.
Variant type: single nucleotide variant.
Coding change: c.884A>G on transcript NM_033305.3 (MANE Select); coding-DNA position 884, A replaced by G.
Protein change: p.Tyr295Cys; replaces tyrosine 295 with cysteine.
Molecular consequence: missense variant.
Genome position (GRCh38, 1-based): chr9:77,220,278, A>G. VCF-style: chr9-77220278-A-G. GRCh37 (hg19) VCF-style: chr9-79835194-A-G.
Other names: c.884A>G, p.Tyr295Cys (NM_001018037.2, NM_001018038.3, NM_015186.4); short protein forms Y295C.
Identifiers: ClinVar variation 4536453 (VCV004536453.1).